The following is an entry in ClinVar:

ClinVar aggregate classification (germline): Uncertain significance (1 of 4 stars; one submission).

Allele frequency attached by ClinVar (database versions not stated): TOPMed 0.00002; ExAC 0.00007.
gnomAD v4.1: 47 of 1,613,948 alleles (0.0029%); highest among the groups gnomAD compares: South Asian, 0.032%; no homozygotes.

Submission:

Labcorp Genetics (formerly Invitae), Labcorp
Classification: Uncertain significance. Last evaluated: 2022-08-16. Review status: criteria provided, single submitter. Criteria: Invitae Variant Classification Sherloc (09022015). Collection method: clinical testing. Allele origin: germline.
Comment: Algorithms developed to predict the effect of missense changes on protein structure and function output the following: SIFT: "Tolerated"; PolyPhen-2: "Benign"; Align-GVGD: "Class C0". The asparagine amino acid residue is found in multiple mammalian species, which suggests that this missense change does not adversely affect protein function. In summary, the available evidence is currently insufficient to determine the role of this variant in disease. Therefore, it has been classified as a Variant of Uncertain Significance. This variant has not been reported in the literature in individuals affected with FREM1-related conditions. This variant is present in population databases (rs747401637, gnomAD 0.04%). This sequence change replaces aspartic acid, which is acidic and polar, with asparagine, which is neutral and polar, at codon 922 of the FREM1 protein (p.Asp922Asn).

NM_001379081.2(FREM1):c.2764G>A (p.Asp922Asn)

Genes: FREM1 (FRAS1 related extracellular matrix 1; minus strand), LOC126860582 (P300/CBP strongly-dependent group 1 enhancer GRCh37_chr9:14812530-14813729; plus strand). Cytogenetic location: 9p22.3.
Variant type: single nucleotide variant.
Coding change: c.2764G>A on transcript NM_001379081.2 (MANE Select); coding-DNA position 2764, G replaced by A.
Protein change: p.Asp922Asn; replaces aspartic acid 922 with asparagine.
Molecular consequence: missense variant. On other transcripts: non-coding transcript variant (2).
Genome position (GRCh38, 1-based): chr9:14,812,941, C>T on the plus strand (G>A on the coding strand, the complement: FREM1 is on the minus strand). VCF-style: chr9-14812941-C-T. GRCh37 (hg19) VCF-style: chr9-14812939-C-T.
Other names: c.2764G>A, p.Asp922Asn (NM_144966.7); short protein forms D922N.
Identifiers: ClinVar variation 2150693 (VCV002150693.4), dbSNP rs747401637, ClinGen allele CA4990821.